The following is an entry in ClinVar:

ClinVar aggregate classification (germline): Benign/Likely benign. Review status: criteria provided, multiple submitters, no conflicts (2 of 4 stars). 5 submissions from 5 submitters: Benign (1); Likely benign (4). Last evaluated 2026-01-31.

Conditions:
PCDH15-related disorder. Also called: PCDH15-related disorders; PCDH15-related condition.

Allele frequency attached by ClinVar (database versions not stated): gnomAD 0.00073 and 0.00064; gnomAD exomes 0.00005 and 0.00016; 1000 Genomes Project 30x 0.00016; 1000 Genomes Project 0.00020; ExAC 0.00022; ESP Exome Variant Server 0.00054; TOPMed 0.00070.
gnomAD v4.1: 166 of 1,613,810 alleles (0.01%); highest among the groups gnomAD compares: African/African-American, 0.21%; no homozygotes.

Submissions (5):

Labcorp Genetics (formerly Invitae), Labcorp
Classification: Benign. Last evaluated: 2026-01-31. Review status: criteria provided, single submitter. Criteria: Invitae Variant Classification Sherloc (09022015). Collection method: clinical testing. Allele origin: germline.

PreventionGenetics, part of Exact Sciences
Classification: Likely benign for PCDH15-related condition. Last evaluated: 2025-12-05. Review status: criteria provided, single submitter. Criteria: ACMG Guidelines, 2015. Collection method: clinical testing. Allele origin: germline.
Comment: This variant is classified as likely benign based on ACMG/AMP sequence variant interpretation guidelines (Richards et al. 2015 PMID: 25741868, with internal and published modifications).

Blueprint Genetics
Classification: Likely benign. Last evaluated: 2024-06-27. Review status: criteria provided, single submitter. Criteria: ACMG Guidelines, 2015. Collection method: clinical testing. Allele origin: germline.

GeneDx
Classification: Likely benign. Last evaluated: 2020-08-31. Review status: criteria provided, single submitter. Criteria: GeneDx Variant Classification Process June 2021. Collection method: clinical testing. Allele origin: germline. Affected: yes.

Laboratory for Molecular Medicine, Mass General Brigham Personalized Medicine
Classification: Likely benign. Last evaluated: 2012-02-08. Review status: criteria provided, single submitter. Criteria: LMM Criteria. Collection method: clinical testing. Allele origin: germline. Observed: 2 variant alleles.
Comment: Gly551Gly in exon 14 of PCDH15: This variant is not expected to have clinical si gnificance because it does not alter an amino acid residue, is not located withi n the splice consensus sequence and has been identified in 0.16% (6/3738) of Afr ican American chromosomes from a broad population (NHLBI Exome sequencing projec t; dbSNP rs141281651).

NM_001384140.1(PCDH15):c.1653G>A (p.Gly551=)

Gene: PCDH15 (protocadherin related 15; minus strand). Cytogenetic location: 10q21.1.
Variant type: single nucleotide variant.
Coding change: c.1653G>A on transcript NM_001384140.1 (MANE Select); coding-DNA position 1653, G replaced by A.
Protein change: p.Gly551=; no amino-acid change (glycine 551 retained).
Molecular consequence: synonymous variant.
Genome position (GRCh38, 1-based): chr10:54,153,231, C>T on the plus strand (G>A on the coding strand, the complement: PCDH15 is on the minus strand). VCF-style: chr10-54153231-C-T. GRCh37 (hg19) VCF-style: chr10-55912991-C-T.
Other names: c.1668G>A, p.Gly556= (NM_001142763.2, NM_001142771.2); c.1653G>A, p.Gly551= (NM_001142764.2, NM_001142765.2, NM_001142766.2 and 6 more transcripts); c.1542G>A, p.Gly514= (NM_001142767.2); c.1587G>A, p.Gly529= (NM_001142768.2, NM_001142773.2, NM_001354404.2); c.1689G>A, p.Gly563= (NM_001142769.4); c.1674G>A, p.Gly558= (NM_001354411.2).
Identifiers: ClinVar variation 46445 (VCV000046445.18), dbSNP rs141281651, ClinGen allele CA138378.